The following is an entry in ClinVar:

NM_003998.4(NFKB1):c.2804G>A (p.Arg935His)

Gene: NFKB1 (nuclear factor kappa B subunit 1; plus strand). Cytogenetic location: 4q24.
Variant type: single nucleotide variant.
Coding change: c.2804G>A on transcript NM_003998.4 (MANE Select); coding-DNA position 2804, G replaced by A.
Protein change: p.Arg935His; replaces arginine 935 with histidine.
Molecular consequence: missense variant.
Genome position (GRCh38, 1-based): chr4:102,616,488, G>A. VCF-style: chr4-102616488-G-A. GRCh37 (hg19) VCF-style: chr4-103537645-G-A.
Other names: c.2804G>A (NM_003998.3); c.2801G>A, p.Arg934His (NM_001165412.2, NM_001319226.2, NM_001382627.1); c.2804G>A, p.Arg935His (NM_001382625.1, NM_001382626.1); c.2762G>A, p.Arg921His (NM_001382628.1); short protein forms R935H, R921H, R934H.
Identifiers: ClinVar variation 1489088 (VCV001489088.8), dbSNP rs751585372, ClinGen allele CA3026540.

ClinVar aggregate classification (germline): Conflicting classifications of pathogenicity. Review status: criteria provided, conflicting classifications (1 of 4 stars). 3 submissions from 3 submitters: Uncertain significance (2); Likely benign (1). Last evaluated 2025-08-21.

Conditions:
Inborn genetic diseases. Identifiers: MedGen C0950123, MeSH D030342.

Allele frequency attached by ClinVar (database versions not stated): gnomAD 0.00001; TOPMed 0.00002.
gnomAD v4.1: 53 of 1,613,882 alleles (0.0033%); highest among the groups gnomAD compares: South Asian, 0.0044%; no homozygotes.

Submissions (3):

Ambry Genetics
Classification: Uncertain significance for Inborn genetic diseases. Last evaluated: 2025-08-21. Review status: criteria provided, single submitter. Criteria: Ambry Variant Classification Scheme 2023. Collection method: clinical testing. Allele origin: germline.

Labcorp Genetics (formerly Invitae), Labcorp
Classification: Uncertain significance. Last evaluated: 2025-08-17. Review status: criteria provided, single submitter. Criteria: Invitae Variant Classification Sherloc (09022015). Collection method: clinical testing. Allele origin: germline.
Comment: This sequence change replaces arginine, which is basic and polar, with histidine, which is basic and polar, at codon 935 of the NFKB1 protein (p.Arg935His). This variant is present in population databases (rs751585372, gnomAD 0.006%). This variant has not been reported in the literature in individuals affected with NFKB1-related conditions. ClinVar contains an entry for this variant (Variation ID: 1489088). An algorithm developed to predict the effect of missense changes on protein structure and function outputs the following: PolyPhen-2: "Benign". The histidine amino acid residue is found in multiple mammalian species, which suggests that this missense change does not adversely affect protein function. In summary, the available evidence is currently insufficient to determine the role of this variant in disease. Therefore, it has been classified as a Variant of Uncertain Significance.

Blueprint Genetics
Classification: Likely benign. Last evaluated: 2023-07-28. Review status: criteria provided, single submitter. Criteria: ACMG Guidelines, 2015. Collection method: clinical testing. Allele origin: germline.